The following is an entry in ClinVar:

NM_000548.5(TSC2):c.5346C>G (p.Ala1782=)

Gene: TSC2 (TSC complex subunit 2; plus strand). Cytogenetic location: 16p13.3.
Variant type: single nucleotide variant.
Coding change: c.5346C>G on transcript NM_000548.5 (MANE Select); coding-DNA position 5346, C replaced by G.
Protein change: p.Ala1782=; no amino-acid change (alanine 1782 retained).
Molecular consequence: synonymous variant.
Genome position (GRCh38, 1-based): chr16:2,088,532, C>G. VCF-style: chr16-2088532-C-G. GRCh37 (hg19) VCF-style: chr16-2138533-C-G.
Other names: c.5145C>G, p.Ala1715= (NM_001077183.3); c.5277C>G, p.Ala1759= (NM_001114382.3); c.5037C>G, p.Ala1679= (NM_001318827.2); c.5001C>G, p.Ala1667= (NM_001318829.2); c.4614C>G, p.Ala1538= (NM_001318831.2); c.5178C>G, p.Ala1726= (NM_001318832.2); c.5148C>G, p.Ala1716= (NM_001363528.2); c.5214C>G, p.Ala1738= (NM_001370404.1); and 2 more.
Identifiers: ClinVar variation 536016 (VCV000536016.11), dbSNP rs557200243, ClinGen allele CA493043721.

ClinVar aggregate classification (germline): Benign/Likely benign. Review status: criteria provided, multiple submitters, no conflicts (2 of 4 stars). 2 submissions from 2 submitters: Benign (1); Likely benign (1). Last evaluated 2025-06-09.

Conditions:
Tuberous sclerosis 2 (TSC2). Identifiers: Orphanet 805, MedGen C1860707, MONDO:0013199, OMIM 613254.

Allele frequency attached by ClinVar (database versions not stated): gnomAD 0.00003.
gnomAD v4.1: 2 of 1,612,276 alleles (0.00012%); highest among the groups gnomAD compares: East Asian, 0.0045%; no homozygotes.

Submissions (2):

Myriad Genetics, Inc.
Classification: Benign for Tuberous sclerosis 2. Last evaluated: 2025-06-09. Review status: criteria provided, single submitter. Criteria: Myriad Autosomal Dominant, Autosomal Recessive and X-Linked Classification Criteria (2023). Collection method: clinical testing. Allele origin: unknown.
Comment: This variant is considered benign. This variant is a silent/synonymous amino acid change and it is not expected to impact splicing.

Labcorp Genetics (formerly Invitae), Labcorp
Classification: Likely benign for Tuberous sclerosis 2. Last evaluated: 2024-02-17. Review status: criteria provided, single submitter. Criteria: Invitae Variant Classification Sherloc (09022015). Collection method: clinical testing. Allele origin: germline.